The following is an entry in ClinVar:

ClinVar aggregate classification (germline): Uncertain significance. Review status: criteria provided, multiple submitters, no conflicts (2 of 4 stars). 3 submissions from 3 submitters: Uncertain significance (2). 1 of the submissions does not count toward it. Last evaluated 2025-12-15.

Conditions:
KISS1R-related disorder. Also called: KISS1R-related condition.
Hypogonadotropic hypogonadism 8 with or without anosmia (HH8). Also called: HYPOGONADOTROPIC HYPOGONADISM 8 WITH ANOSMIA, SUSCEPTIBILITY TO; KISS1R-Related GnRH Deficiency. Identifiers: Orphanet 478, MedGen C3553841, MONDO:0013910, OMIM 614837.

Allele frequency attached by ClinVar (database versions not stated): TOPMed 0.00003; gnomAD 0.00009; ExAC 0.00023.

Submissions (3):

Labcorp Genetics (formerly Invitae), Labcorp
Classification: Uncertain significance. Last evaluated: 2025-12-15. Review status: criteria provided, single submitter. Criteria: Invitae Variant Classification Sherloc (09022015). Collection method: clinical testing. Allele origin: germline.
Comment: This sequence change replaces alanine, which is neutral and non-polar, with aspartic acid, which is acidic and polar, at codon 194 of the KISS1R protein (p.Ala194Asp). The frequency data for this variant in the population databases is considered unreliable, as metrics indicate poor data quality at this position in the gnomAD database. This missense change has been observed in individual(s) with hypogonadotropic hypogonadism (PMID: 23643382). ClinVar contains an entry for this variant (Variation ID: 50861). Invitae Evidence Modeling of protein sequence and biophysical properties (such as structural, functional, and spatial information, amino acid conservation, physicochemical variation, residue mobility, and thermodynamic stability) indicates that this missense variant is not expected to disrupt KISS1R protein function with a negative predictive value of 80%. In summary, the available evidence is currently insufficient to determine the role of this variant in disease. Therefore, it has been classified as a Variant of Uncertain Significance.

PreventionGenetics, part of Exact Sciences
Classification: Uncertain significance for KISS1R-related condition. Last evaluated: 2024-10-18. Review status: criteria provided, single submitter. Criteria: ACMG Guidelines, 2015. Collection method: clinical testing. Allele origin: germline.
Comment: The KISS1R c.581C>A variant is predicted to result in the amino acid substitution p.Ala194Asp. This variant has been reported in an individual with Kallmann syndrome (Table S3, Miraoui et al. 2013. PubMed ID: 23643382). This variant is reported in 0.012% of alleles in individuals of European (non-Finnish) descent in gnomAD. At this time, the clinical significance of this variant is uncertain due to the absence of conclusive functional and genetic evidence.

OMIM
Classification: risk factor for HYPOGONADOTROPIC HYPOGONADISM 8 WITH ANOSMIA, SUSCEPTIBILITY TO. Last evaluated: 2013-05-02. Review status: no assertion criteria provided. Collection method: literature only. Allele origin: germline. Not counted in ClinVar's aggregate classification.

Literature cited by the submitters: PubMed 23643382 (cited by Labcorp Genetics (formerly Invitae), Labcorp and OMIM).

NM_032551.5(KISS1R):c.581C>A (p.Ala194Asp)

Gene: KISS1R (KISS1 receptor; plus strand). Cytogenetic location: 19p13.3.
Variant type: single nucleotide variant.
Coding change: c.581C>A on transcript NM_032551.5 (MANE Select); coding-DNA position 581, C replaced by A.
Protein change: p.Ala194Asp; replaces alanine 194 with aspartic acid.
Molecular consequence: missense variant.
Genome position (GRCh38, 1-based): chr19:919,949, C>A. VCF-style: chr19-919949-C-A. GRCh37 (hg19) VCF-style: chr19-919949-C-A.
Other names: c.581C>A (NM_032551.4); short protein forms A194D.
Identifiers: ClinVar variation 50861 (VCV000050861.5), dbSNP rs397514699, ClinGen allele CA143813.
Genomic context (GRCh38, chr19:919,949, plus strand): 5'-CTGCGCCGGTGCTCGCCCTGCACCGCCTGTCACCCGGGCCGCGCGCCTACTGCAGTGAGG[C>A]CTTCCCCAGCCGCGCCCTGGAGCGCGCCTTCGCACTGTACAACCTGCTGGCGCTGTACCT-3'
Protein context (NP_115940.2, residues 184-204): SPGPRAYCSE[Ala194Asp]FPSRALERAF